The following is an entry in ClinVar:

ClinVar aggregate classification (germline): Uncertain significance (1 of 4 stars; one submission).

Allele frequency attached by ClinVar (database versions not stated): gnomAD exomes below 0.00001.
gnomAD v4.1: 3 of 1,597,874 alleles (0.00019%); highest among the groups gnomAD compares: Admixed American, 0.0035%; no homozygotes.

Submission:

Labcorp Genetics (formerly Invitae), Labcorp
Classification: Uncertain significance. Last evaluated: 2021-12-20. Review status: criteria provided, single submitter. Criteria: Invitae Variant Classification Sherloc (09022015). Collection method: clinical testing. Allele origin: germline.
Comment: In summary, the available evidence is currently insufficient to determine the role of this variant in disease. Therefore, it has been classified as a Variant of Uncertain Significance. Algorithms developed to predict the effect of missense changes on protein structure and function are either unavailable or do not agree on the potential impact of this missense change (SIFT: "Tolerated"; PolyPhen-2: "Possibly Damaging"; Align-GVGD: "Class C0"). This variant has not been reported in the literature in individuals affected with ADGRV1-related conditions. The frequency data for this variant in the population databases is considered unreliable, as metrics indicate poor data quality at this position in the gnomAD database. This sequence change replaces asparagine, which is neutral and polar, with aspartic acid, which is acidic and polar, at codon 6141 of the ADGRV1 protein (p.Asn6141Asp).

NM_032119.4(ADGRV1):c.18421A>G (p.Asn6141Asp)

Gene: ADGRV1 (adhesion G protein-coupled receptor V1; plus strand). Cytogenetic location: 5q14.3.
Variant type: single nucleotide variant.
Coding change: c.18421A>G on transcript NM_032119.4 (MANE Select); coding-DNA position 18421, A replaced by G.
Protein change: p.Asn6141Asp; replaces asparagine 6141 with aspartic acid.
Molecular consequence: missense variant. On other transcripts: non-coding transcript variant (1).
Genome position (GRCh38, 1-based): chr5:91,102,329, A>G. VCF-style: chr5-91102329-A-G. GRCh37 (hg19) VCF-style: chr5-90398146-A-G.
Other names: short protein forms N6141D.
Identifiers: ClinVar variation 2050807 (VCV002050807.4), dbSNP rs1381848335, ClinGen allele CA360431583.